The following is an entry in ClinVar:

ClinVar aggregate classification (germline): Uncertain significance (1 of 4 stars; one submission).

Submission:

Labcorp Genetics (formerly Invitae), Labcorp
Classification: Uncertain significance. Last evaluated: 2025-11-23. Review status: criteria provided, single submitter. Criteria: Invitae Variant Classification Sherloc (09022015). Collection method: clinical testing. Allele origin: germline.
Comment: This sequence change replaces phenylalanine, which is neutral and non-polar, with leucine, which is neutral and non-polar, at codon 66 of the IRF2BP2 protein (p.Phe66Leu). This variant is not present in population databases (gnomAD no frequency). This variant has not been reported in the literature in individuals affected with IRF2BP2-related conditions. An algorithm developed to predict the effect of missense changes on protein structure and function (PolyPhen-2) suggests that this variant is likely to be disruptive. In summary, the available evidence is currently insufficient to determine the role of this variant in disease. Therefore, it has been classified as a Variant of Uncertain Significance.

NM_182972.3(IRF2BP2):c.198C>G (p.Phe66Leu)

Gene: IRF2BP2 (interferon regulatory factor 2 binding protein 2; minus strand). Cytogenetic location: 1q42.3.
Variant type: single nucleotide variant.
Coding change: c.198C>G on transcript NM_182972.3 (MANE Select); coding-DNA position 198, C replaced by G.
Protein change: p.Phe66Leu; replaces phenylalanine 66 with leucine.
Molecular consequence: missense variant.
Genome position (GRCh38, 1-based): chr1:234,609,297, G>C on the plus strand (C>G on the coding strand, the complement: IRF2BP2 is on the minus strand). VCF-style: chr1-234609297-G-C. GRCh37 (hg19) VCF-style: chr1-234745043-G-C.
Other names: c.198C>G, p.Phe66Leu (NM_001077397.1); short protein forms F66L.
Identifiers: ClinVar variation 4698764 (VCV004698764.1).